The following is an entry in ClinVar:

NM_201384.3(PLEC):c.10852A>G (p.Met3618Val)

Gene: PLEC (plectin; minus strand). Cytogenetic location: 8q24.3.
Variant type: single nucleotide variant.
Coding change: c.10852A>G on transcript NM_201384.3 (MANE Select); coding-DNA position 10852, A replaced by G.
Protein change: p.Met3618Val; replaces methionine 3618 with valine.
Molecular consequence: missense variant.
Genome position (GRCh38, 1-based): chr8:143,918,969, T>C on the plus strand (A>G on the coding strand, the complement: PLEC is on the minus strand). VCF-style: chr8-143918969-T-C. GRCh37 (hg19) VCF-style: chr8-144993137-T-C.
Other names: p.Met3645Val; c.10933A>G (NM_000445.3); c.10933A>G, p.Met3645Val (NM_000445.5); c.10810A>G, p.Met3604Val (NM_201378.4); c.10786A>G, p.Met3596Val (NM_201379.3); c.11263A>G, p.Met3755Val (NM_201380.4); c.10756A>G, p.Met3586Val (NM_201381.3); c.10852A>G, p.Met3618Val (NM_201382.4); and 1 more; short protein forms M3604V, M3622V, M3755V, M3618V, M3645V, M3586V, M3596V.
Identifiers: ClinVar variation 645671 (VCV000645671.12), dbSNP rs376442504, ClinGen allele CA4924517.

ClinVar aggregate classification (germline): Uncertain significance. Review status: criteria provided, multiple submitters, no conflicts (2 of 4 stars). 3 submissions from 3 submitters: Uncertain significance (3). Last evaluated 2025-04-07.

Conditions:
Epidermolysis bullosa simplex, Ogna type (EBS5A). Also called: Pidermolysis bullosa simplex 5A, Ogna type; EPIDERMOLYSIS BULLOSA SIMPLEX 5A, OGNA TYPE. Identifiers: Orphanet 79401, MedGen C0432317, MONDO:0007555, OMIM 131950.
Autosomal recessive limb-girdle muscular dystrophy type 2Q (LGMDR17). Also called: MUSCULAR DYSTROPHY, LIMB-GIRDLE, AUTOSOMAL RECESSIVE 17. Identifiers: Orphanet 254361, MedGen C3150989, MONDO:0013390, OMIM 613723.
Epidermolysis bullosa simplex with nail dystrophy (EBS5D). Identifiers: MedGen C4225309, MONDO:0014661, OMIM 616487.
Epidermolysis bullosa simplex 5B, with muscular dystrophy (EBS5B). Also called: Epidermolysis bullosa simplex with muscular dystrophy; EPIDERMOLYSIS BULLOSA SIMPLEX AND LIMB-GIRDLE MUSCULAR DYSTROPHY. Identifiers: Orphanet 257, MedGen C2931072, MONDO:0009181, OMIM 226670.
Epidermolysis bullosa simplex 5C, with pyloric atresia (EBS5C). Also called: PLEC-Related Epidermolysis Bullosa with Pyloric Atresia; Epidermolysis bullosa simplex with pyloric atresia; PLEC1-Related Epidermolysis Bullosa with Pyloric Atresia. Identifiers: Orphanet 158684, MedGen C2677349, MONDO:0012807, OMIM 612138.

Allele frequency attached by ClinVar (database versions not stated): gnomAD exomes 0.00006; ExAC 0.00008; ESP Exome Variant Server 0.00008; 1000 Genomes Project 30x 0.00016; 1000 Genomes Project 0.00020; TOPMed 0.00020.
gnomAD v4.1: 46 of 1,610,914 alleles (0.0029%); highest among the groups gnomAD compares: African/African-American, 0.027%; no homozygotes.

Submissions (3):

Labcorp Genetics (formerly Invitae), Labcorp
Classification: Uncertain significance for Autosomal recessive limb-girdle muscular dystrophy type 2Q; Epidermolysis bullosa simplex, Ogna type; Epidermolysis bullosa simplex with nail dystrophy; Epidermolysis bullosa simplex 5C, with pyloric atresia; Epidermolysis bullosa simplex 5B, with muscular dystrophy. Last evaluated: 2025-04-07. Review status: criteria provided, single submitter. Criteria: Invitae Variant Classification Sherloc (09022015). Collection method: clinical testing. Allele origin: germline.
Comment: This sequence change replaces methionine, which is neutral and non-polar, with valine, which is neutral and non-polar, at codon 3645 of the PLEC protein (p.Met3645Val). This variant is present in population databases (rs376442504, gnomAD 0.04%). This variant has not been reported in the literature in individuals affected with PLEC-related conditions. ClinVar contains an entry for this variant (Variation ID: 645671). An algorithm developed to predict the effect of missense changes on protein structure and function (PolyPhen-2) suggests that this variant is likely to be tolerated. In summary, the available evidence is currently insufficient to determine the role of this variant in disease. Therefore, it has been classified as a Variant of Uncertain Significance.

Mayo Clinic Laboratories, Mayo Clinic
Classification: Uncertain significance. Last evaluated: 2023-01-12. Review status: criteria provided, single submitter. Criteria: ACMG Guidelines, 2015. Collection method: clinical testing. Allele origin: germline. Observed: 2 variant alleles.

Revvity Omics, Revvity
Classification: Uncertain significance. Last evaluated: 2019-03-22. Review status: criteria provided, single submitter. Criteria: ACMG Guidelines, 2015. Collection method: clinical testing. Allele origin: germline.